The following is an entry in ClinVar:

NM_001365536.1(SCN9A):c.2836A>G (p.Ile946Val)

Genes: SCN1A-AS1 (SCN1A and SCN9A antisense RNA 1; plus strand), SCN9A (sodium voltage-gated channel alpha subunit 9; minus strand). Cytogenetic location: 2q24.3.
Variant type: single nucleotide variant.
Coding change: c.2836A>G on transcript NM_001365536.1 (MANE Select); coding-DNA position 2836, A replaced by G.
Protein change: p.Ile946Val; replaces isoleucine 946 with valine.
Molecular consequence: missense variant.
Genome position (GRCh38, 1-based): chr2:166,277,021, T>C on the plus strand (A>G on the coding strand, the complement: SCN9A is on the minus strand). VCF-style: chr2-166277021-T-C. GRCh37 (hg19) VCF-style: chr2-167133531-T-C.
Other names: c.2803A>G, p.Ile935Val (NM_002977.4); short protein forms I935V, I946V.
Identifiers: ClinVar variation 2201871 (VCV002201871.5), dbSNP rs765115406, ClinGen allele CA1944197.
Genomic context (GRCh38, chr2:166,277,021, plus strand): 5'-GCATGAACATCTGGTTACATACCACCAGGTTTCCAATGACCATGACCATCATGTAAACAA[T>C]AAGGCACATAGCTTGACCAGCGACCTCCATACAGTCCCACATGGTCTCTATCCACTCTCC-3'
Protein context (NP_001352465.1, residues 936-956): MEVAGQAMCL[Ile946Val]VYMMVMVIGN

ClinVar aggregate classification (germline): Uncertain significance. Review status: criteria provided, multiple submitters, no conflicts (2 of 4 stars). 2 submissions from 2 submitters: Uncertain significance (2). Last evaluated 2026-02-26.

Conditions:
Neuropathy, hereditary sensory and autonomic, type 2A (HSAN2A). Also called: WNK1-Related HSAN2 (HSAN2A); ACROOSTEOLYSIS, GIACCAI TYPE; ACROOSTEOLYSIS, NEUROGENIC; HSAN IIA; MORVAN DISEASE; NEUROPATHY, CONGENITAL SENSORY. Identifiers: Orphanet 970, MedGen C2752089, MONDO:0024309, OMIM 201300.
Generalized epilepsy with febrile seizures plus, type 7 (GEFSP7). Also called: GEFS+, TYPE 7. Identifiers: Orphanet 36387, MedGen C2751778, MONDO:0013470, OMIM 613863.
SCN9A-related disorder. Also called: SCN9A-related disorders; SCN9A-related condition.

Allele frequency attached by ClinVar (database versions not stated): gnomAD 0.00001; ExAC 0.00002; gnomAD exomes 0.00002.
gnomAD v4.1: 26 of 1,613,842 alleles (0.0016%); highest among the groups gnomAD compares: South Asian, 0.026%; 1 homozygote.

Submissions (2):

PreventionGenetics, part of Exact Sciences
Classification: Uncertain significance for SCN9A-related condition. Last evaluated: 2026-02-26. Review status: criteria provided, single submitter. Criteria: ACMG Guidelines, 2015. Collection method: clinical testing. Allele origin: germline.
Comment: The SCN9A c.2803A>G variant is predicted to result in the amino acid substitution p.Ile935Val. To our knowledge, this variant has not been reported in the literature. This variant is reported in 0.026% of alleles in individuals of South Asian descent in gnomAD. At this time, the clinical significance of this variant is uncertain due to the absence of conclusive functional and genetic evidence.

Labcorp Genetics (formerly Invitae), Labcorp
Classification: Uncertain significance for Neuropathy, hereditary sensory and autonomic, type 2A; Generalized epilepsy with febrile seizures plus, type 7. Last evaluated: 2025-11-03. Review status: criteria provided, single submitter. Criteria: Invitae Variant Classification Sherloc (09022015). Collection method: clinical testing. Allele origin: germline.
Comment: This sequence change replaces isoleucine, which is neutral and non-polar, with valine, which is neutral and non-polar, at codon 935 of the SCN9A protein (p.Ile935Val). This variant is present in population databases (rs765115406, gnomAD 0.03%). This variant has not been reported in the literature in individuals affected with SCN9A-related conditions. ClinVar contains an entry for this variant (Variation ID: 2201871). Invitae Evidence Modeling of protein sequence and biophysical properties (such as structural, functional, and spatial information, amino acid conservation, physicochemical variation, residue mobility, and thermodynamic stability) indicates that this missense variant is not expected to disrupt SCN9A protein function with a negative predictive value of 95%. In summary, the available evidence is currently insufficient to determine the role of this variant in disease. Therefore, it has been classified as a Variant of Uncertain Significance.